The following is an entry in ClinVar:

NM_033159.4(HYAL1):c.802G>A (p.Glu268Lys)

Gene: HYAL1 (hyaluronidase 1; minus strand). Cytogenetic location: 3p21.31.
Variant type: single nucleotide variant.
Coding change: c.802G>A on transcript NM_033159.4 (MANE Select); coding-DNA position 802, G replaced by A.
Protein change: p.Glu268Lys; replaces glutamic acid 268 with lysine.
Molecular consequence: missense variant. On other transcripts: non-coding transcript variant (1).
Genome position (GRCh38, 1-based): chr3:50,302,155, C>T on the plus strand (G>A on the coding strand, the complement: HYAL1 is on the minus strand). VCF-style: chr3-50302155-C-T. GRCh37 (hg19) VCF-style: chr3-50339586-C-T.
Other names: c.802G>A, p.Glu268Lys (NM_153281.2, NM_153282.3); c.256G>A, p.Glu86Lys (NM_153283.3); c.25G>A, p.Glu9Lys (NM_153285.3); short protein forms E268K, E9K, E86K.
Identifiers: ClinVar variation 3530 (VCV000003530.9), dbSNP rs104893743, ClinGen allele CA116326.

ClinVar aggregate classification (germline): Uncertain significance. Review status: criteria provided, single submitter (1 of 4 stars). 2 submissions from 2 submitters: Uncertain significance (1). 1 of the submissions does not count toward it. Last evaluated 2024-10-23.

Conditions:
Deficiency of hyaluronoglucosaminidase (MPS9). Also called: Mucopolysaccharidosis type 9; HYALURONIDASE DEFICIENCY; MPS IX. Identifiers: Orphanet 67041, MedGen C1291490, MONDO:0011093, OMIM 601492.

Allele frequency attached by ClinVar (database versions not stated): gnomAD 0.00001; TOPMed 0.00001; gnomAD exomes 0.00005 and 0.00008; ExAC 0.00015.
gnomAD v4.1: 72 of 1,614,166 alleles (0.0045%); highest among the groups gnomAD compares: Middle Eastern, 0.017%; no homozygotes.

Submissions (2):

Labcorp Genetics (formerly Invitae), Labcorp
Classification: Uncertain significance for Deficiency of hyaluronoglucosaminidase. Last evaluated: 2024-10-23. Review status: criteria provided, single submitter. Criteria: Invitae Variant Classification Sherloc (09022015). Collection method: clinical testing. Allele origin: germline.
Comment: This sequence change replaces glutamic acid, which is acidic and polar, with lysine, which is basic and polar, at codon 268 of the HYAL1 protein (p.Glu268Lys). This variant is present in population databases (rs104893743, gnomAD 0.02%). This missense change has been observed in individual(s) with mucopolysaccharidosis type IX (PMID: 10339581). In at least one individual the data is consistent with being in trans (on the opposite chromosome) from a pathogenic variant. ClinVar contains an entry for this variant (Variation ID: 3530). An algorithm developed to predict the effect of missense changes on protein structure and function (PolyPhen-2) suggests that this variant is likely to be disruptive. In summary, the available evidence is currently insufficient to determine the role of this variant in disease. Therefore, it has been classified as a Variant of Uncertain Significance.

OMIM
Classification: Pathogenic for MUCOPOLYSACCHARIDOSIS, TYPE IX. Last evaluated: 1999-05-25. Review status: no assertion criteria provided. Collection method: literature only. Allele origin: germline. Not counted in ClinVar's aggregate classification.

Literature cited by the submitters: PubMed 10339581 (cited by Labcorp Genetics (formerly Invitae), Labcorp and OMIM); PubMed 8793927 (cited by OMIM).